The following is an entry in ClinVar:

NM_176824.3(BBS7):c.37G>A (p.Val13Met)

Gene: BBS7 (Bardet-Biedl syndrome 7; minus strand). Cytogenetic location: 4q27.
Variant type: single nucleotide variant.
Coding change: c.37G>A on transcript NM_176824.3 (MANE Select); coding-DNA position 37, G replaced by A.
Protein change: p.Val13Met; replaces valine 13 with methionine.
Molecular consequence: missense variant.
Genome position (GRCh38, 1-based): chr4:121,868,046, C>T on the plus strand (G>A on the coding strand, the complement: BBS7 is on the minus strand). VCF-style: chr4-121868046-C-T. GRCh37 (hg19) VCF-style: chr4-122789201-C-T.
Other names: c.37G>A, p.Val13Met (NM_018190.4); short protein forms V13M.
Identifiers: ClinVar variation 1503046 (VCV001503046.6), dbSNP rs753027552, ClinGen allele CA3064617.
Genomic context (GRCh38, chr4:121,868,046, plus strand): 5'-GTGTAGCTCTGTGTCTTGAGGCAGGAATTAGCTTCATAGTCTTCTGAGATGTTACTCCCA[C>T]CTAAAGAAAAACACCAGATGCCTAGTGAATTTAATTTGAAGTTATTACAGAGATTAAAAT-3'
Protein context (NP_789794.1, residues 3-23): LILNRMDYLQ[Val13Met]GVTSQKTMKL

ClinVar aggregate classification (germline): Uncertain significance (1 of 4 stars; one submission).

Conditions:
Bardet-Biedl syndrome (BBS). Identifiers: Orphanet 110, MedGen C0752166, MONDO:0015229.

Allele frequency attached by ClinVar (database versions not stated): gnomAD exomes below 0.00001; TOPMed below 0.00001; ExAC 0.00001; gnomAD 0.00002.
gnomAD v4.1: 5 of 1,612,764 alleles (0.00031%); highest among the groups gnomAD compares: African/African-American, 0.0027%; no homozygotes.

Submission:

Labcorp Genetics (formerly Invitae), Labcorp
Classification: Uncertain significance for Bardet-Biedl syndrome. Last evaluated: 2022-02-24. Review status: criteria provided, single submitter. Criteria: Invitae Variant Classification Sherloc (09022015). Collection method: clinical testing. Allele origin: germline.
Comment: Algorithms developed to predict the effect of missense changes on protein structure and function are either unavailable or do not agree on the potential impact of this missense change (SIFT: "Deleterious"; PolyPhen-2: "Probably Damaging"; Align-GVGD: "Class C15"). This variant has not been reported in the literature in individuals affected with BBS7-related conditions. In summary, the available evidence is currently insufficient to determine the role of this variant in disease. Therefore, it has been classified as a Variant of Uncertain Significance. This variant is present in population databases (rs753027552, gnomAD 0.004%). This sequence change replaces valine, which is neutral and non-polar, with methionine, which is neutral and non-polar, at codon 13 of the BBS7 protein (p.Val13Met).